The following is an entry in ClinVar:

NM_001142800.2(EYS):c.5452C>T (p.Pro1818Ser)

Gene: EYS (eyes shut homolog; minus strand). Cytogenetic location: 6q12.
Variant type: single nucleotide variant.
Coding change: c.5452C>T on transcript NM_001142800.2 (MANE Select); coding-DNA position 5452, C replaced by T.
Protein change: p.Pro1818Ser; replaces proline 1818 with serine.
Molecular consequence: missense variant.
Genome position (GRCh38, 1-based): chr6:64,590,415, G>A on the plus strand (C>T on the coding strand, the complement: EYS is on the minus strand). VCF-style: chr6-64590415-G-A. GRCh37 (hg19) VCF-style: chr6-65300308-G-A.
Other names: c.5452C>T, p.Pro1818Ser (NM_001292009.2); short protein forms P1818S.
Identifiers: ClinVar variation 1375104 (VCV001375104.3), dbSNP rs1316942078, ClinGen allele CA364781082.
Genomic context (GRCh38, chr6:64,590,415, plus strand): 5'-ACCATTCTGAAGAAGTCTTGACCTCTTTTTTAAGAGAGGTCATATAATCTGTAAAATATG[G>A]CCAATCTGGCCTAATTACAGACATGGAGGAAGACGTCTGTATTGAAAGTGCTGGAGTTGC-3'
Protein context (NP_001136272.1, residues 1808-1828): SSMSVIRPDW[Pro1818Ser]YFTDYMTSLK

ClinVar aggregate classification (germline): Uncertain significance (1 of 4 stars; one submission).

Allele frequency attached by ClinVar (database versions not stated): gnomAD exomes below 0.00001; TOPMed below 0.00001.
gnomAD v4.1: 4 of 1,551,276 alleles (0.00026%); highest among the groups gnomAD compares: Non-Finnish European, 0.00035%; no homozygotes.

Submission:

Labcorp Genetics (formerly Invitae), Labcorp
Classification: Uncertain significance. Last evaluated: 2021-08-15. Review status: criteria provided, single submitter. Criteria: Invitae Variant Classification Sherloc (09022015). Collection method: clinical testing. Allele origin: germline.
Comment: This sequence change replaces proline with serine at codon 1818 of the EYS protein (p.Pro1818Ser). The proline residue is weakly conserved and there is a moderate physicochemical difference between proline and serine. This variant is not present in population databases (ExAC no frequency). This variant has not been reported in the literature in individuals affected with EYS-related conditions. Algorithms developed to predict the effect of missense changes on protein structure and function output the following: SIFT: "Tolerated"; PolyPhen-2: "Benign"; Align-GVGD: "Class C0". The serine amino acid residue is found in multiple mammalian species, which suggests that this missense change does not adversely affect protein function. In summary, the available evidence is currently insufficient to determine the role of this variant in disease. Therefore, it has been classified as a Variant of Uncertain Significance.